The following is an entry in ClinVar:

NM_006269.2(RP1):c.5221A>T (p.Ile1741Phe)

Genes: RP1 (RP1 axonemal microtubule associated; plus strand), LOC126860392 (CDK7 strongly-dependent group 2 enhancer GRCh37_chr8:55541319-55542518; plus strand). Cytogenetic location: 8q12.1.
Variant type: single nucleotide variant.
Coding change: c.5221A>T on transcript NM_006269.2 (MANE Select); coding-DNA position 5221, A replaced by T.
Protein change: p.Ile1741Phe; replaces isoleucine 1741 with phenylalanine.
Molecular consequence: missense variant. On other transcripts: intron variant (1).
Genome position (GRCh38, 1-based): chr8:54,629,103, A>T. VCF-style: chr8-54629103-A-T. GRCh37 (hg19) VCF-style: chr8-55541663-A-T.
Other names: c.5221A>T (NM_006269.1); c.787+6815A>T (NM_001375654.1); short protein forms I1741F.
Identifiers: ClinVar variation 1921155 (VCV001921155.8), dbSNP rs757085666, ClinGen allele CA177183246.
Genomic context (GRCh38, chr8:54,629,103, plus strand): 5'-CCTGGTACAAAACAAAATGATGATAGCAGAATCCTCACAGACATAGAGGAAGGAGTACTG[A>T]TTGACAAAGGCAAATGGCTTCTGAAAGAAAATCATTTGCTAAGGATGTCATCTGAAAATC-3'
Protein context (NP_006260.1, residues 1731-1751): ILTDIEEGVL[Ile1741Phe]DKGKWLLKEN

ClinVar aggregate classification (germline): Uncertain significance. Review status: criteria provided, multiple submitters, no conflicts (2 of 4 stars). 4 submissions from 4 submitters: Uncertain significance (4). Last evaluated 2026-07-08.

Conditions:
RP1-related disorder. Also called: RP1-related condition.
Inborn genetic diseases. Identifiers: MedGen C0950123, MeSH D030342.

gnomAD v4.1: 6 of 1,614,056 alleles (0.00037%); highest among the groups gnomAD compares: East Asian, 0.0067%; no homozygotes.

Submissions (4):

PreventionGenetics, part of Exact Sciences
Classification: Uncertain significance for RP1-related condition. Last evaluated: 2026-07-08. Review status: criteria provided, single submitter. Criteria: ACMG Guidelines, 2015. Collection method: clinical testing. Allele origin: germline.
Comment: The RP1 c.5221A>T variant is predicted to result in the amino acid substitution p.Ile1741Phe. To our knowledge, this variant has not been reported in the literature. This variant is reported on one allele in the 'remaining individuals' population in the gnomAD database. At this time, the clinical significance of this variant is uncertain due to the absence of conclusive functional and genetic evidence.

Labcorp Genetics (formerly Invitae), Labcorp
Classification: Uncertain significance. Last evaluated: 2025-03-28. Review status: criteria provided, single submitter. Criteria: Invitae Variant Classification Sherloc (09022015). Collection method: clinical testing. Allele origin: germline.
Comment: This sequence change replaces isoleucine, which is neutral and non-polar, with phenylalanine, which is neutral and non-polar, at codon 1741 of the RP1 protein (p.Ile1741Phe). This variant is present in population databases (no rsID available, gnomAD no frequency). This variant has not been reported in the literature in individuals affected with RP1-related conditions. ClinVar contains an entry for this variant (Variation ID: 1921155). An algorithm developed to predict the effect of missense changes on protein structure and function (PolyPhen-2) suggests that this variant is likely to be disruptive. In summary, the available evidence is currently insufficient to determine the role of this variant in disease. Therefore, it has been classified as a Variant of Uncertain Significance.

Blueprint Genetics
Classification: Uncertain significance. Last evaluated: 2024-06-18. Review status: criteria provided, single submitter. Criteria: ACMG Guidelines, 2015. Collection method: clinical testing. Allele origin: germline.

Ambry Genetics
Classification: Uncertain significance for Inborn genetic diseases. Last evaluated: 2024-04-09. Review status: criteria provided, single submitter. Criteria: Ambry Variant Classification Scheme 2023. Collection method: clinical testing. Allele origin: germline.